The following is an entry in ClinVar:

NM_000551.4(VHL):c.-15T>C

Gene: VHL (von Hippel-Lindau tumor suppressor; plus strand). Cytogenetic location: 3p25.3.
Variant type: single nucleotide variant.
Coding change: c.-15T>C on transcript NM_000551.4 (MANE Select); 15 bases upstream of the start codon, T replaced by C.
Molecular consequence: 5 prime UTR variant.
Genome position (GRCh38, 1-based): chr3:10,141,833, T>C. VCF-style: chr3-10141833-T-C. GRCh37 (hg19) VCF-style: chr3-10183517-T-C.
Other names: c.-15T>C (NM_001354723.2, NM_198156.3).
Identifiers: ClinVar variation 381125 (VCV000381125.2), dbSNP rs776768994, ClinGen allele CA039536.

ClinVar aggregate classification (germline): Conflicting classifications of pathogenicity. Review status: criteria provided, conflicting classifications (1 of 4 stars). 2 submissions from 2 submitters: Uncertain significance (1); Likely benign (1). Last evaluated 2025-06-12.

Conditions:
Von Hippel-Lindau syndrome (VHLS). Also called: Von Hippel-Lindau; VHL syndrome; von Hippel–Lindau syndrome. Identifiers: Orphanet 892, MedGen C0019562, MONDO:0008667, OMIM 193300. Disease mechanism: loss of function.

Allele frequency attached by ClinVar (database versions not stated): gnomAD 0.00001; gnomAD exomes 0.00001; TOPMed 0.00001; ExAC 0.00009.

Submissions (2):

Color Diagnostics, LLC DBA Color Health
Classification: Uncertain significance for Von Hippel-Lindau syndrome. Last evaluated: 2025-06-12. Review status: criteria provided, single submitter. Criteria: ACMG Guidelines, 2015. Collection method: clinical testing. Allele origin: germline.
Comment: This variant causes a single nucleotide substitution in the VHL gene. To our knowledge, functional studies have not been reported for this variant. This variant has not been reported in individuals affected with VHL-related disorders in the literature. This variant has been identified in 2/136170 chromosomes in the general population by the Genome Aggregation Database (gnomAD). The available evidence is insufficient to determine the role of this variant in disease conclusively. Therefore, this variant is classified as a Variant of Uncertain Significance.

GeneDx
Classification: Likely benign. Last evaluated: 2017-11-21. Review status: criteria provided, single submitter. Criteria: GeneDx Variant Classification (06012015). Collection method: clinical testing. Allele origin: germline. Affected: yes.
Comment: This variant is considered likely benign or benign based on one or more of the following criteria: it is a conservative change, it occurs at a poorly conserved position in the protein, it is predicted to be benign by multiple in silico algorithms, and/or has population frequency not consistent with disease.